The following is an entry in ClinVar:

NM_004336.5(BUB1):c.1317C>G (p.His439Gln)

Gene: BUB1 (BUB1 mitotic checkpoint serine/threonine kinase; minus strand). Cytogenetic location: 2q13.
Variant type: single nucleotide variant.
Coding change: c.1317C>G on transcript NM_004336.5 (MANE Select); coding-DNA position 1317, C replaced by G.
Protein change: p.His439Gln; replaces histidine 439 with glutamine.
Molecular consequence: missense variant.
Genome position (GRCh38, 1-based): chr2:110,658,702, G>C on the plus strand (C>G on the coding strand, the complement: BUB1 is on the minus strand). VCF-style: chr2-110658702-G-C. GRCh37 (hg19) VCF-style: chr2-111416279-G-C.
Other names: c.1257C>G, p.His419Gln (NM_001278616.2); c.1317C>G, p.His439Gln (NM_001278617.2); short protein forms H419Q, H439Q.
Identifiers: ClinVar variation 2562183 (VCV002562183.2), dbSNP rs372726984, ClinGen allele CA348212680.

ClinVar aggregate classification (germline): Uncertain significance (1 of 4 stars; one submission).

gnomAD v4.1: 2 of 1,614,174 alleles (0.00012%); highest among the groups gnomAD compares: Non-Finnish European, 0.00017%; no homozygotes.

Submission:

Ambry Genetics
Classification: Uncertain significance. Last evaluated: 2023-03-24. Review status: criteria provided, single submitter. Criteria: Ambry Variant Classification Scheme 2023. Collection method: clinical testing. Allele origin: germline.
Comment: The p.H439Q variant (also known as c.1317C>G), located in coding exon 12 of the BUB1 gene, results from a C to G substitution at nucleotide position 1317. The histidine at codon 439 is replaced by glutamine, an amino acid with highly similar properties. This amino acid position is conserved. In addition, this alteration is predicted to be tolerated by in silico analysis. Since supporting evidence is limited at this time, the clinical significance of this alteration remains unclear.